The following is an entry in ClinVar:

NM_001378454.1(ALMS1):c.72_73dup (p.Glu25fs)

Gene: ALMS1 (ALMS1 centrosome and basal body associated protein; plus strand). Cytogenetic location: 2p13.1.
Variant type: Duplication.
Coding change: c.72_73dup on transcript NM_001378454.1 (MANE Select); coding-DNA positions 72 to 73, 2 bases duplicated (GG; older notation c.72_73dupGG).
Protein change: p.Glu25fs; shifts the reading frame from glutamic acid 25.
Molecular consequence: frameshift variant.
Genome position (GRCh38, 1-based): chr2:73,385,940-73,385,941, GG duplicated. VCF-style (leftmost placement, unchanged base first): chr2-73385939-A-AGG. GRCh37 (hg19) VCF-style: chr2-73613067-A-AGG.
Other names: c.75_76dup, p.Glu26fs (NM_015120.4); c.74_75insGG (NM_015120.4); short protein forms E25fs, E26fs.
Identifiers: ClinVar variation 2636216 (VCV002636216.1), dbSNP rs1344982848, ClinGen allele CA2695200828.

ClinVar aggregate classification (germline): Uncertain significance (1 of 4 stars; one submission).

Conditions:
ALMS1-related disorder. Also called: ALMS1-related condition.

Submission:

PreventionGenetics, part of Exact Sciences
Classification: Uncertain significance for ALMS1-related condition. Last evaluated: 2022-10-05. Review status: criteria provided, single submitter. Criteria: ACMG Guidelines, 2015. Collection method: clinical testing. Allele origin: germline.
Comment: The ALMS1 c.74_75insGG variant is predicted to result in a frameshift and premature protein termination (p.Glu27Argfs*15). To our knowledge, this variant has not been reported in the literature. This variant is reported in 0.14% of alleles in individuals of East Asian descent in gnomAD, including one homozygote. Although we suspect that this variant may be benign, at this time, the clinical significance of this variant is uncertain due to the absence of conclusive functional and genetic evidence.